The following is an entry in ClinVar:

ClinVar aggregate classification (germline): Uncertain significance. Review status: criteria provided, multiple submitters, no conflicts (2 of 4 stars). 2 submissions from 2 submitters: Uncertain significance (2). Last evaluated 2025-09-14.

Conditions:
Epidermolysis bullosa simplex, Ogna type (EBS5A). Also called: Pidermolysis bullosa simplex 5A, Ogna type; EPIDERMOLYSIS BULLOSA SIMPLEX 5A, OGNA TYPE. Identifiers: Orphanet 79401, MedGen C0432317, MONDO:0007555, OMIM 131950.
Epidermolysis bullosa simplex 5C, with pyloric atresia (EBS5C). Also called: PLEC1-Related Epidermolysis Bullosa with Pyloric Atresia; PLEC-Related Epidermolysis Bullosa with Pyloric Atresia; Epidermolysis bullosa simplex with pyloric atresia. Identifiers: Orphanet 158684, MedGen C2677349, MONDO:0012807, OMIM 612138.
Autosomal recessive limb-girdle muscular dystrophy type 2Q (LGMDR17). Also called: MUSCULAR DYSTROPHY, LIMB-GIRDLE, AUTOSOMAL RECESSIVE 17. Identifiers: Orphanet 254361, MedGen C3150989, MONDO:0013390, OMIM 613723.
Epidermolysis bullosa simplex with nail dystrophy (EBS5D). Identifiers: MedGen C4225309, MONDO:0014661, OMIM 616487.
Epidermolysis bullosa simplex 5B, with muscular dystrophy (EBS5B). Also called: Epidermolysis bullosa simplex with muscular dystrophy; EPIDERMOLYSIS BULLOSA SIMPLEX AND LIMB-GIRDLE MUSCULAR DYSTROPHY. Identifiers: Orphanet 257, MedGen C2931072, MONDO:0009181, OMIM 226670.

Allele frequency attached by ClinVar (database versions not stated): ExAC 0.00005; gnomAD exomes 0.00005 and 0.00008; gnomAD 0.00008; TOPMed 0.00011; ESP Exome Variant Server 0.00016.
gnomAD v4.1: 129 of 1,612,920 alleles (0.008%); highest among the groups gnomAD compares: Non-Finnish European, 0.0097%; no homozygotes.

Submissions (2):

Labcorp Genetics (formerly Invitae), Labcorp
Classification: Uncertain significance for Autosomal recessive limb-girdle muscular dystrophy type 2Q; Epidermolysis bullosa simplex, Ogna type; Epidermolysis bullosa simplex with nail dystrophy; Epidermolysis bullosa simplex 5C, with pyloric atresia; Epidermolysis bullosa simplex 5B, with muscular dystrophy. Last evaluated: 2025-09-14. Review status: criteria provided, single submitter. Criteria: Invitae Variant Classification Sherloc (09022015). Collection method: clinical testing. Allele origin: germline.
Comment: This sequence change replaces glycine, which is neutral and non-polar, with serine, which is neutral and polar, at codon 3988 of the PLEC protein (p.Gly3988Ser). This variant is present in population databases (rs373243633, gnomAD 0.009%). This missense change has been observed in individual(s) with clinical features of limb-girdle muscular dystrophy (internal data). In at least one individual the data is consistent with being in trans (on the opposite chromosome) from a pathogenic variant. ClinVar contains an entry for this variant (Variation ID: 852931). Invitae Evidence Modeling of protein sequence and biophysical properties (such as structural, functional, and spatial information, amino acid conservation, physicochemical variation, residue mobility, and thermodynamic stability) has been performed for this missense variant. However, the output from this modeling did not meet the statistical confidence thresholds required to predict the impact of this variant on PLEC protein function. In summary, the available evidence is currently insufficient to determine the role of this variant in disease. Therefore, it has been classified as a Variant of Uncertain Significance.

CeGaT Center for Human Genetics Tuebingen
Classification: Uncertain significance. Last evaluated: 2024-02-01. Review status: criteria provided, single submitter. Criteria: CeGaT Center For Human Genetics Tuebingen Variant Classification Criteria Version 2. Collection method: clinical testing. Allele origin: germline. Affected: yes. Observed: 1 variant allele.
Comment: PLEC: PM2, PP3

NM_201384.3(PLEC):c.11881G>A (p.Gly3961Ser)

Gene: PLEC (plectin; minus strand). Cytogenetic location: 8q24.3.
Variant type: single nucleotide variant.
Coding change: c.11881G>A on transcript NM_201384.3 (MANE Select); coding-DNA position 11881, G replaced by A.
Protein change: p.Gly3961Ser; replaces glycine 3961 with serine.
Molecular consequence: missense variant.
Genome position (GRCh38, 1-based): chr8:143,917,940, C>T on the plus strand (G>A on the coding strand, the complement: PLEC is on the minus strand). VCF-style: chr8-143917940-C-T. GRCh37 (hg19) VCF-style: chr8-144992108-C-T.
Other names: c.11962G>A, p.Gly3988Ser (NM_000445.5); c.11839G>A, p.Gly3947Ser (NM_201378.4); c.11815G>A, p.Gly3939Ser (NM_201379.3); c.12292G>A, p.Gly4098Ser (NM_201380.4); c.11785G>A, p.Gly3929Ser (NM_201381.3); c.11881G>A, p.Gly3961Ser (NM_201382.4); c.11893G>A, p.Gly3965Ser (NM_201383.3); short protein forms G3929S, G3939S, G3947S, G3965S, G3961S, G4098S, G3988S.
Identifiers: ClinVar variation 852931 (VCV000852931.32), dbSNP rs373243633, ClinGen allele CA4924225.